The following is an entry in ClinVar:

NM_002860.4(ALDH18A1):c.2085C>G (p.His695Gln)

Gene: ALDH18A1 (aldehyde dehydrogenase 18 family member A1; minus strand). Cytogenetic location: 10q24.1.
Variant type: single nucleotide variant.
Coding change: c.2085C>G on transcript NM_002860.4 (MANE Select); coding-DNA position 2085, C replaced by G.
Protein change: p.His695Gln; replaces histidine 695 with glutamine.
Molecular consequence: missense variant.
Genome position (GRCh38, 1-based): chr10:95,611,281, G>C on the plus strand (C>G on the coding strand, the complement: ALDH18A1 is on the minus strand). VCF-style: chr10-95611281-G-C. GRCh37 (hg19) VCF-style: chr10-97371038-G-C.
Other names: c.2079C>G, p.His693Gln (NM_001017423.2, NM_001323415.2); c.1752C>G, p.His584Gln (NM_001323412.2, NM_001323416.2); c.2085C>G, p.His695Gln (NM_001323413.2, NM_001323414.2); c.1980C>G, p.His660Gln (NM_001323417.2); c.1746C>G, p.His582Gln (NM_001323418.2); c.1449C>G, p.His483Gln (NM_001323419.2); short protein forms H584Q, H660Q, H693Q, H582Q, H483Q, H695Q.
Identifiers: ClinVar variation 4782698 (VCV004782698.1).

ClinVar aggregate classification (germline): Uncertain significance (1 of 4 stars; one submission).

Conditions:
Cutis laxa, autosomal dominant 3 (ADCL3). Identifiers: Orphanet 90348, MedGen C4225268, MONDO:0014706, OMIM 616603.
Autosomal dominant spastic paraplegia type 9. Identifiers: MedGen C1832669, MONDO:0015091.
de Barsy syndrome. Also called: Cutis laxa-corneal clouding-oligophrenia syndrome. Identifiers: Orphanet 2962, MedGen C0268354, MONDO:0017569.

gnomAD v4.1: 5 of 1,614,162 alleles (0.00031%); highest among the groups gnomAD compares: Non-Finnish European, 0.00042%; no homozygotes.

Submission:

Labcorp Genetics (formerly Invitae), Labcorp
Classification: Uncertain significance for Autosomal dominant spastic paraplegia type 9; de Barsy syndrome; Cutis laxa, autosomal dominant 3. Last evaluated: 2025-10-24. Review status: criteria provided, single submitter. Criteria: Invitae Variant Classification Sherloc (09022015). Collection method: clinical testing. Allele origin: germline.
Comment: This sequence change replaces histidine, which is basic and polar, with glutamine, which is neutral and polar, at codon 695 of the ALDH18A1 protein (p.His695Gln). This variant is not present in population databases (gnomAD no frequency). This variant has not been reported in the literature in individuals affected with ALDH18A1-related conditions. Invitae Evidence Modeling of protein sequence and biophysical properties (such as structural, functional, and spatial information, amino acid conservation, physicochemical variation, residue mobility, and thermodynamic stability) indicates that this missense variant is expected to disrupt ALDH18A1 protein function with a positive predictive value of 95%. In summary, the available evidence is currently insufficient to determine the role of this variant in disease. Therefore, it has been classified as a Variant of Uncertain Significance.